The following is an entry in ClinVar:

ClinVar aggregate classification (germline): Benign (1 of 4 stars; one submission).

Submission:

GeneDx
Classification: Benign. Last evaluated: 2018-06-14. Review status: criteria provided, single submitter. Criteria: GeneDx Variant Classification (06012015). Collection method: clinical testing. Allele origin: germline. Affected: yes.
Comment: This variant is considered likely benign or benign based on one or more of the following criteria: it is a conservative change, it occurs at a poorly conserved position in the protein, it is predicted to be benign by multiple in silico algorithms, and/or has population frequency not consistent with disease.

NM_001127222.2(CACNA1A):c.2279+232del

Gene: CACNA1A (calcium voltage-gated channel subunit alpha1 A; minus strand). Cytogenetic location: 19p13.13.
Variant type: Deletion.
Coding change: c.2279+232del on transcript NM_001127222.2 (MANE Select); 232 bases into the intron after coding-DNA position 2279, one base deleted (A; older notation c.2279+232delA).
Molecular consequence: intron variant.
Genome position (GRCh38, 1-based): chr19:13,300,318, T deleted on the plus strand (A on the coding strand, the reverse complement: CACNA1A is on the minus strand); the first of 10 consecutive T bases (chr19:13,300,318-13,300,327); deleting any one gives the same sequence. VCF-style (leftmost placement, unchanged base first): chr19-13300317-AT-A. GRCh37 (hg19) VCF-style: chr19-13411131-AT-A.
Other names: c.2282+232del (NM_001127221.2, NM_001174080.2); c.2291+232del (NM_000068.4, NM_023035.3).
Identifiers: ClinVar variation 678279 (VCV000678279.1), dbSNP rs60111064, ClinGen allele CA305506950.